The following is an entry in ClinVar:

ClinVar aggregate classification (germline): Uncertain significance (1 of 4 stars; one submission).

gnomAD v4.1: 5 of 1,551,232 alleles (0.00032%); highest among the groups gnomAD compares: Admixed American, 0.0039%; no homozygotes.

Submission:

Labcorp Genetics (formerly Invitae), Labcorp
Classification: Uncertain significance. Last evaluated: 2024-11-27. Review status: criteria provided, single submitter. Criteria: Invitae Variant Classification Sherloc (09022015). Collection method: clinical testing. Allele origin: germline.
Comment: This sequence change replaces arginine, which is basic and polar, with glutamine, which is neutral and polar, at codon 1515 of the EYS protein (p.Arg1515Gln). This variant is present in population databases (no rsID available, gnomAD 0.004%). This variant has not been reported in the literature in individuals affected with EYS-related conditions. Invitae Evidence Modeling of protein sequence and biophysical properties (such as structural, functional, and spatial information, amino acid conservation, physicochemical variation, residue mobility, and thermodynamic stability) indicates that this missense variant is not expected to disrupt EYS protein function with a negative predictive value of 80%. In summary, the available evidence is currently insufficient to determine the role of this variant in disease. Therefore, it has been classified as a Variant of Uncertain Significance.

NM_001142800.2(EYS):c.4544G>A (p.Arg1515Gln)

Gene: EYS (EGF-like photoreceptor maintenance factor; minus strand). Cytogenetic location: 6q12.
Variant type: single nucleotide variant.
Coding change: c.4544G>A on transcript NM_001142800.2 (MANE Select); coding-DNA position 4544, G replaced by A.
Protein change: p.Arg1515Gln; replaces arginine 1515 with glutamine.
Molecular consequence: missense variant.
Genome position (GRCh38, 1-based): chr6:64,591,323, C>T on the plus strand (G>A on the coding strand, the complement: EYS is on the minus strand). VCF-style: chr6-64591323-C-T. GRCh37 (hg19) VCF-style: chr6-65301216-C-T.
Other names: c.4544G>A, p.Arg1515Gln (NM_001292009.2); short protein forms R1515Q.
Identifiers: ClinVar variation 3712910 (VCV003712910.2).